The following is an entry in ClinVar:

ClinVar aggregate classification (germline): Benign. Review status: criteria provided, multiple submitters, no conflicts (2 of 4 stars). 2 submissions from 2 submitters: Benign (2). Last evaluated 2018-01-12.

Conditions:
Megalencephalic leukoencephalopathy with subcortical cysts 1 (MLC1). Also called: LEUKOENCEPHALOPATHY WITH SWELLING AND CYSTS; VACUOLATING MEGALENCEPHALIC LEUKOENCEPHALOPATHY WITH SUBCORTICAL CYSTS. Identifiers: Orphanet 2478, MedGen C5779875, MONDO:0024555, OMIM 604004.

Allele frequency attached by ClinVar (database versions not stated): gnomAD exomes 0.00727; TOPMed 0.00962; gnomAD 0.01437; 1000 Genomes Project 30x 0.02202; 1000 Genomes Project 0.02296.
gnomAD v4.1: 1,943 of 152,928 alleles (1.3%); highest among the groups gnomAD compares: East Asian, 4.1%; 33 homozygotes.

Submissions (2):

Illumina Laboratory Services, Illumina
Classification: Benign for Megalencephalic leukoencephalopathy with subcortical cysts 1. Last evaluated: 2018-01-12. Review status: criteria provided, single submitter. Criteria: ICSL Variant Classification Criteria 13 December 2019. Collection method: clinical testing. Allele origin: germline.
Comment: This variant was observed in the ICSL laboratory as part of a predisposition screen in an ostensibly healthy population. It had not been previously curated by ICSL or reported in the Human Gene Mutation Database (HGMD: prior to June 1st, 2018), and was therefore a candidate for classification through an automated scoring system. Utilizing variant allele frequency, disease prevalence and penetrance estimates, and inheritance mode, an automated score was calculated to assess if this variant is too frequent to cause the disease. Based on the score and internal cut-off values, a variant classified as benign is not then subjected to further curation. The score for this variant resulted in a classification of benign for this disease.

Breakthrough Genomics
Classification: Benign. Review status: criteria provided, single submitter. Criteria: ACMG Guidelines, 2015. Collection method: not provided. Allele origin: germline. Inheritance: Autosomal recessive inheritance. Affected: yes.

NM_015166.4(MLC1):c.*970G>C

Gene: MLC1 (modulator of VRAC current 1; minus strand). Cytogenetic location: 22q13.33.
Variant type: single nucleotide variant.
Coding change: c.*970G>C on transcript NM_015166.4 (MANE Select); 970 bases downstream of the stop codon, G replaced by C.
Molecular consequence: 3 prime UTR variant. On other transcripts: intron variant (2).
Genome position (GRCh38, 1-based): chr22:50,060,613, C>G on the plus strand (G>C on the coding strand, the complement: MLC1 is on the minus strand). VCF-style: chr22-50060613-C-G. GRCh37 (hg19) VCF-style: chr22-50499042-C-G.
Other names: c.*970G>C (NM_001376472.1, NM_001376473.1, NM_001376474.1 and 9 more transcripts); c.*46-461G>C (NM_001376478.1, NM_001376477.1).
Identifiers: ClinVar variation 342088 (VCV000342088.6), dbSNP rs117474715, ClinGen allele CA10651497.